The following is an entry in ClinVar:

ClinVar aggregate classification (germline): Likely benign (1 of 4 stars; one submission).

gnomAD v4.1: 2 of 1,612,964 alleles (0.00012%); highest among the groups gnomAD compares: Admixed American, 0.0033%; no homozygotes.

Submission:

CeGaT Center for Human Genetics Tuebingen
Classification: Likely benign. Last evaluated: 2025-09-01. Review status: criteria provided, single submitter. Criteria: CeGaT Center For Human Genetics Tuebingen Variant Classification Criteria Version 2. Collection method: clinical testing. Allele origin: germline. Affected: yes. Observed: 1 variant allele.
Comment: ERMARD: BP4

NM_018341.3(ERMARD):c.418-4T>G

Gene: ERMARD (ER membrane associated RNA degradation; plus strand). Cytogenetic location: 6q27.
Variant type: single nucleotide variant.
Coding change: c.418-4T>G on transcript NM_018341.3 (MANE Select); 4 bases into the intron before coding-DNA position 418, T replaced by G.
Molecular consequence: intron variant.
Genome position (GRCh38, 1-based): chr6:169,756,715, T>G. VCF-style: chr6-169756715-T-G. GRCh37 (hg19) VCF-style: chr6-170156811-T-G.
Other names: c.418-4T>G (NM_001278531.2, NM_001278533.2); c.40-4T>G (NM_001278532.2, NM_001410957.1).
Identifiers: ClinVar variation 4281502 (VCV004281502.7).